The following is an entry in ClinVar:

NR_003051.4(RMRP):n.45dup

Gene: RMRP (RNA component of mitochondrial RNA processing endoribonuclease; minus strand). Cytogenetic location: 9p13.3.
Variant type: Duplication.
Genome position: GRCh38 VCF-style: chr9-35657974-G-GA. GRCh37 (hg19) VCF-style: chr9-35657971-G-GA.
Identifiers: ClinVar variation 1352279 (VCV001352279.4), dbSNP rs2131809106, ClinGen allele CA2573144621.
Genomic context (GRCh38, chr9:35,657,974, plus strand): 5'-CACGTGGCACTCTCTGCCCGAGGTCCGGGGACTTTCCCCTAGGCGGAAAGGGGAGGAACA[G>GA]AGTCCTCAGTGTGTAGCCTAGGATACAGGCCTTCAGCACGAACCACGTCCTCAGCTTCAC-3'

ClinVar aggregate classification (germline): Uncertain significance (1 of 4 stars; one submission).

Conditions:
Anauxetic dysplasia. Identifiers: Orphanet 93347, MedGen C1846796, MONDO:0011773.

Submission:

Labcorp Genetics (formerly Invitae), Labcorp
Classification: Uncertain significance for Anauxetic dysplasia. Last evaluated: 2022-09-06. Review status: criteria provided, single submitter. Criteria: Invitae Variant Classification Sherloc (09022015). Collection method: clinical testing. Allele origin: germline.
Comment: This variant occurs in the RMRP gene, which encodes an RNA molecule that does not result in a protein product. In summary, the available evidence is currently insufficient to determine the role of this variant in disease. Therefore, it has been classified as a Variant of Uncertain Significance. Experimental studies and prediction algorithms are not available or were not evaluated, and the functional significance of this variant is currently unknown. ClinVar contains an entry for this variant (Variation ID: 1352279). This variant has not been reported in the literature in individuals affected with RMRP-related conditions. This variant is not present in population databases (gnomAD no frequency).